The following is an entry in ClinVar:

ClinVar aggregate classification (germline): Conflicting classifications of pathogenicity. Review status: criteria provided, conflicting classifications (1 of 4 stars). 2 submissions from 2 submitters: Uncertain significance (1); Likely benign (1). Last evaluated 2025-03-31.

Allele frequency attached by ClinVar (database versions not stated): gnomAD exomes 0.00005; 1000 Genomes Project 30x 0.00016; ExAC 0.00016; ESP Exome Variant Server 0.00016; 1000 Genomes Project 0.00020.
gnomAD v4.1: 28 of 1,570,656 alleles (0.0018%); highest among the groups gnomAD compares: African/African-American, 0.031%; no homozygotes.

Submissions (2):

Labcorp Genetics (formerly Invitae), Labcorp
Classification: Uncertain significance. Last evaluated: 2025-03-31. Review status: criteria provided, single submitter. Criteria: Invitae Variant Classification Sherloc (09022015). Collection method: clinical testing. Allele origin: germline.
Comment: This sequence change falls in intron 22 of the COL9A3 gene. It does not directly change the encoded amino acid sequence of the COL9A3 protein. It affects a nucleotide within the consensus splice site. This variant is present in population databases (rs200601821, gnomAD 0.04%). This variant has not been reported in the literature in individuals affected with COL9A3-related conditions. ClinVar contains an entry for this variant (Variation ID: 1419560). Variants that disrupt the consensus splice site are a relatively common cause of aberrant splicing (PMID: 17576681, 9536098). Algorithms developed to predict the effect of sequence changes on RNA splicing suggest that this variant is not likely to affect RNA splicing. In summary, the available evidence is currently insufficient to determine the role of this variant in disease. Therefore, it has been classified as a Variant of Uncertain Significance.

Blueprint Genetics
Classification: Likely benign. Last evaluated: 2022-08-23. Review status: criteria provided, single submitter. Criteria: ACMG Guidelines, 2015. Collection method: clinical testing. Allele origin: germline.

Literature cited by the submitters: PubMed 17576681 (cited by Labcorp Genetics (formerly Invitae), Labcorp); PubMed 9536098 (cited by Labcorp Genetics (formerly Invitae), Labcorp).

NM_001853.4(COL9A3):c.1162-3C>T

Gene: COL9A3 (collagen type IX alpha 3 chain; plus strand). Cytogenetic location: 20q13.33.
Variant type: single nucleotide variant.
Coding change: c.1162-3C>T on transcript NM_001853.4 (MANE Select); 3 bases into the intron before coding-DNA position 1162, C replaced by T.
Molecular consequence: intron variant.
Genome position (GRCh38, 1-based): chr20:62,830,357, C>T. VCF-style: chr20-62830357-C-T. GRCh37 (hg19) VCF-style: chr20-61461709-C-T.
Identifiers: ClinVar variation 1419560 (VCV001419560.7), dbSNP rs200601821, ClinGen allele CA9949807.
Genomic context (GRCh38, chr20:62,830,357, plus strand): 5'-GGGGCCTCTTGGGGACTCCTCGAACCCTGAGACATCCGCTCACACCTCACCTTTGTCTTC[C>T]AGGGGGCCCTCGGCCCACAAGGCCCTCCCGGAGCCCCTGGTGTCCGAGGCTTCCAGGTGG-3'